The following is an entry in ClinVar:

NM_001378615.1(CC2D2A):c.664G>A (p.Glu222Lys)

Genes: CC2D2A (coiled-coil and C2 domain containing 2A; plus strand), FBXL5 (F-box and leucine rich repeat protein 5; minus strand). Cytogenetic location: 4p15.32.
Variant type: single nucleotide variant.
Coding change: c.664G>A on transcript NM_001378615.1 (MANE Select); coding-DNA position 664, G replaced by A.
Protein change: p.Glu222Lys; replaces glutamic acid 222 with lysine.
Molecular consequence: missense variant.
Genome position (GRCh38, 1-based): chr4:15,511,370, G>A. VCF-style: chr4-15511370-G-A. GRCh37 (hg19) VCF-style: chr4-15512993-G-A.
Other names: c.664G>A, p.Glu222Lys (NM_001080522.2); c.517G>A, p.Glu173Lys (NM_001378617.1); short protein forms E173K, E222K.
Identifiers: ClinVar variation 1347920 (VCV001347920.5), dbSNP rs2109007768, ClinGen allele CA356408982.

ClinVar aggregate classification (germline): Uncertain significance (1 of 4 stars; one submission).

Conditions:
Joubert syndrome. Also called: JOUBERT-BOLTSHAUSER SYNDROME; Familial aplasia of the vermis. Identifiers: Orphanet 475, MedGen C5979921, MONDO:0018772.
Meckel-Gruber syndrome. Also called: DYSENCEPHALIA SPLANCHNOCYSTICA; GRUBER SYNDROME; Dysencephalia splachnocystica. Identifiers: Orphanet 564, MedGen C0265215, MONDO:0018921.

Allele frequency attached by ClinVar (database versions not stated): gnomAD exomes 0.00001.
gnomAD v4.1: 11 of 1,562,642 alleles (0.0007%); highest among the groups gnomAD compares: Non-Finnish European, 0.00095%; no homozygotes.

Submission:

Labcorp Genetics (formerly Invitae), Labcorp
Classification: Uncertain significance for Joubert syndrome; Meckel-Gruber syndrome. Last evaluated: 2022-06-13. Review status: criteria provided, single submitter. Criteria: Invitae Variant Classification Sherloc (09022015). Collection method: clinical testing. Allele origin: germline.
Comment: This sequence change replaces glutamic acid, which is acidic and polar, with lysine, which is basic and polar, at codon 222 of the CC2D2A protein (p.Glu222Lys). This variant is not present in population databases (gnomAD no frequency). This variant has not been reported in the literature in individuals affected with CC2D2A-related conditions. Advanced modeling of protein sequence and biophysical properties (such as structural, functional, and spatial information, amino acid conservation, physicochemical variation, residue mobility, and thermodynamic stability) performed at Invitae indicates that this missense variant is not expected to disrupt CC2D2A protein function. In summary, the available evidence is currently insufficient to determine the role of this variant in disease. Therefore, it has been classified as a Variant of Uncertain Significance.